The following is an entry in ClinVar:

ClinVar aggregate classification (germline): Likely benign (0 of 4 stars; one submission).

Conditions:
GCSH-related disorder. Also called: GCSH-related condition.

Submission:

PreventionGenetics, part of Exact Sciences
Classification: Likely benign for GCSH-related condition. Last evaluated: 2022-09-22. Review status: no assertion criteria provided. Collection method: clinical testing. Allele origin: germline.
Comment: This variant is classified as likely benign based on ACMG/AMP sequence variant interpretation guidelines (Richards et al. 2015 PMID: 25741868, with internal and published modifications).

NM_004483.5(GCSH):c.-9C>T

Genes: GCSH (glycine cleavage system protein H; minus strand), LOC130059495 (ATAC-STARR-seq lymphoblastoid silent region 7751; plus strand). Cytogenetic location: 16q23.2.
Variant type: single nucleotide variant.
Coding change: c.-9C>T on transcript NM_004483.5 (MANE Select); 9 bases upstream of the start codon, C replaced by T.
Molecular consequence: 5 prime UTR variant. On other transcripts: non-coding transcript variant (1).
Genome position (GRCh38, 1-based): chr16:81,096,287, G>A on the plus strand (C>T on the coding strand, the complement: GCSH is on the minus strand). VCF-style: chr16-81096287-G-A. GRCh37 (hg19) VCF-style: chr16-81129892-G-A.
Identifiers: ClinVar variation 3035656 (VCV003035656.2), dbSNP rs1433417355, ClinGen allele CA624015549.